The following is an entry in ClinVar:

NM_013275.6(ANKRD11):c.2032C>G (p.Leu678Val)

Gene: ANKRD11 (ankyrin repeat domain 11; minus strand). Cytogenetic location: 16q24.3.
Variant type: single nucleotide variant.
Coding change: c.2032C>G on transcript NM_013275.6 (MANE Select); coding-DNA position 2032, C replaced by G.
Protein change: p.Leu678Val; replaces leucine 678 with valine.
Molecular consequence: missense variant.
Genome position (GRCh38, 1-based): chr16:89,284,510, G>C on the plus strand (C>G on the coding strand, the complement: ANKRD11 is on the minus strand). VCF-style: chr16-89284510-G-C. GRCh37 (hg19) VCF-style: chr16-89350918-G-C.
Other names: c.2032C>G, p.Leu678Val (NM_001256182.2, NM_001256183.2); short protein forms L678V.
Identifiers: ClinVar variation 2789643 (VCV002789643.3), dbSNP rs2544242754, ClinGen allele CA397163356.

ClinVar aggregate classification (germline): Uncertain significance (1 of 4 stars; one submission).

Conditions:
KBG syndrome (KBGS). Also called: ANKRD11-Related KBG Syndrome. Identifiers: Orphanet 2332, MedGen C0220687, MONDO:0007846, OMIM 148050.

Submission:

Labcorp Genetics (formerly Invitae), Labcorp
Classification: Uncertain significance for KBG syndrome. Last evaluated: 2023-01-06. Review status: criteria provided, single submitter. Criteria: Invitae Variant Classification Sherloc (09022015). Collection method: clinical testing. Allele origin: germline.
Comment: In summary, the available evidence is currently insufficient to determine the role of this variant in disease. Therefore, it has been classified as a Variant of Uncertain Significance. Advanced modeling of protein sequence and biophysical properties (such as structural, functional, and spatial information, amino acid conservation, physicochemical variation, residue mobility, and thermodynamic stability) performed at Invitae indicates that this missense variant is not expected to disrupt ANKRD11 protein function. This variant has not been reported in the literature in individuals affected with ANKRD11-related conditions. This variant is not present in population databases (gnomAD no frequency). This sequence change replaces leucine, which is neutral and non-polar, with valine, which is neutral and non-polar, at codon 678 of the ANKRD11 protein (p.Leu678Val).